The following is an entry in ClinVar:

NM_022765.4(MICAL1):c.293G>A (p.Arg98Gln)

Gene: MICAL1 (microtubule associated monooxygenase, calponin and LIM domain containing 1; minus strand). Cytogenetic location: 6q21.
Variant type: single nucleotide variant.
Coding change: c.293G>A on transcript NM_022765.4 (MANE Select); coding-DNA position 293, G replaced by A.
Protein change: p.Arg98Gln; replaces arginine 98 with glutamine.
Molecular consequence: missense variant.
Genome position (GRCh38, 1-based): chr6:109,453,811, C>T on the plus strand (G>A on the coding strand, the complement: MICAL1 is on the minus strand). VCF-style: chr6-109453811-C-T. GRCh37 (hg19) VCF-style: chr6-109775014-C-T.
Other names: c.293G>A, p.Arg98Gln (NM_001159291.2); c.350G>A, p.Arg117Gln (NM_001286613.2); short protein forms R117Q, R98Q.
Identifiers: ClinVar variation 2074553 (VCV002074553.6), dbSNP rs755389348, ClinGen allele CA3953827.
Genomic context (GRCh38, chr6:109,453,811, plus strand): 5'-TTGGTGCGCTTTTCCACCAGCACCACTCGGGCCCCCAGCAGCGCCAGCTCCACAGCGACC[C>T]GCAGCCCGCAAGGTCCAGCACCCACCACCAGGCACTGTGAACACACAGGGCAGTGAGGGC-3'
Protein context (NP_073602.3, residues 88-108): LVVGAGPCGL[Arg98Gln]VAVELALLGA

ClinVar aggregate classification (germline): Uncertain significance. Review status: criteria provided, multiple submitters, no conflicts (2 of 4 stars). 3 submissions from 3 submitters: Uncertain significance (3). Last evaluated 2025-09-29.

Allele frequency attached by ClinVar (database versions not stated): TOPMed 0.00003; gnomAD 0.00004; ExAC 0.00007.
gnomAD v4.1: 66 of 1,613,538 alleles (0.0041%); highest among the groups gnomAD compares: Middle Eastern, 0.033%; no homozygotes.

Submissions (3):

Labcorp Genetics (formerly Invitae), Labcorp
Classification: Uncertain significance. Last evaluated: 2025-09-29. Review status: criteria provided, single submitter. Criteria: Invitae Variant Classification Sherloc (09022015). Collection method: clinical testing. Allele origin: germline.
Comment: This sequence change replaces arginine, which is basic and polar, with glutamine, which is neutral and polar, at codon 117 of the MICAL1 protein (p.Arg117Gln). This variant is present in population databases (rs755389348, gnomAD 0.009%). This variant has not been reported in the literature in individuals affected with MICAL1-related conditions. ClinVar contains an entry for this variant (Variation ID: 2074553). An algorithm developed to predict the effect of missense changes on protein structure and function (PolyPhen-2) suggests that this variant is likely to be disruptive. In summary, the available evidence is currently insufficient to determine the role of this variant in disease. Therefore, it has been classified as a Variant of Uncertain Significance.

Blueprint Genetics
Classification: Uncertain significance. Last evaluated: 2024-05-27. Review status: criteria provided, single submitter. Criteria: ACMG Guidelines, 2015. Collection method: clinical testing. Allele origin: germline.

Ambry Genetics
Classification: Uncertain significance. Last evaluated: 2021-07-14. Review status: criteria provided, single submitter. Criteria: Ambry Variant Classification Scheme 2023. Collection method: clinical testing. Allele origin: germline.